The following is an entry in ClinVar:

NM_001244008.2(KIF1A):c.799-235T>C

Gene: KIF1A (kinesin family member 1A; minus strand). Cytogenetic location: 2q37.3.
Variant type: single nucleotide variant.
Coding change: c.799-235T>C on transcript NM_001244008.2 (MANE Select); 235 bases into the intron before coding-DNA position 799, T replaced by C.
Molecular consequence: intron variant.
Genome position (GRCh38, 1-based): chr2:240,783,344, A>G on the plus strand (T>C on the coding strand, the complement: KIF1A is on the minus strand). VCF-style: chr2-240783344-A-G. GRCh37 (hg19) VCF-style: chr2-241722761-A-G.
Other names: c.799-235T>C (NM_001379653.1, NM_001379650.1, NM_001379645.1 and 20 more transcripts).
Identifiers: ClinVar variation 682835 (VCV000682835.1), dbSNP rs4676367, ClinGen allele CA16131845.

ClinVar aggregate classification (germline): Benign (1 of 4 stars; one submission).

Allele frequency attached by ClinVar (database versions not stated): 1000 Genomes Project 0.52496; 1000 Genomes Project 30x 0.53092; gnomAD 0.54397 and 0.55500; TOPMed 0.54898.
gnomAD v4.1: 82,604 of 152,004 alleles (54%); highest among the groups gnomAD compares: African/African-American, 72%; 23,451 homozygotes.

Submission:

GeneDx
Classification: Benign. Last evaluated: 2018-06-14. Review status: criteria provided, single submitter. Criteria: GeneDx Variant Classification (06012015). Collection method: clinical testing. Allele origin: germline. Affected: yes.
Comment: This variant is considered likely benign or benign based on one or more of the following criteria: it is a conservative change, it occurs at a poorly conserved position in the protein, it is predicted to be benign by multiple in silico algorithms, and/or has population frequency not consistent with disease.